The following is an entry in ClinVar:

ClinVar aggregate classification (germline): Uncertain significance (1 of 4 stars; one submission).

gnomAD v4.1: 1 of 1,614,070 alleles (0.000062%); highest among the groups gnomAD compares: Non-Finnish European, 0.000085%; no homozygotes.

Submission:

Labcorp Genetics (formerly Invitae), Labcorp
Classification: Uncertain significance. Last evaluated: 2025-08-03. Review status: criteria provided, single submitter. Criteria: Invitae Variant Classification Sherloc (09022015). Collection method: clinical testing. Allele origin: germline.
Comment: This sequence change replaces glycine, which is neutral and non-polar, with arginine, which is basic and polar, at codon 419 of the SIAE protein (p.Gly419Arg). This variant is present in population databases (no rsID available, gnomAD 0.0009%). This variant has not been reported in the literature in individuals affected with SIAE-related conditions. An algorithm developed to predict the effect of missense changes on protein structure and function outputs the following: PolyPhen-2: "Benign". The arginine amino acid residue is found in multiple mammalian species, which suggests that this missense change does not adversely affect protein function. In summary, the available evidence is currently insufficient to determine the role of this variant in disease. Therefore, it has been classified as a Variant of Uncertain Significance.

NM_170601.5(SIAE):c.1255G>A (p.Gly419Arg)

Gene: SIAE (sialic acid acetylesterase; minus strand). Cytogenetic location: 11q24.2.
Variant type: single nucleotide variant.
Coding change: c.1255G>A on transcript NM_170601.5 (MANE Select); coding-DNA position 1255, G replaced by A.
Protein change: p.Gly419Arg; replaces glycine 419 with arginine.
Molecular consequence: missense variant.
Genome position (GRCh38, 1-based): chr11:124,638,607, C>T on the plus strand (G>A on the coding strand, the complement: SIAE is on the minus strand). VCF-style: chr11-124638607-C-T. GRCh37 (hg19) VCF-style: chr11-124508503-C-T.
Other names: c.1150G>A, p.Gly384Arg (NM_001199922.2); short protein forms G384R, G419R.
Identifiers: ClinVar variation 4798902 (VCV004798902.1).
Genomic context (GRCh38, chr11:124,638,607, plus strand): 5'-ATATCTTGTTGTCCTTTTTCTGCACCTGGATTTGCTGGTAATATGTGAGATTGAGCAGCC[C>T]CTTGTGAGCCAAGAGTTCTATCTTCTCAGGCAGTGGTCCTTCAAAGGTCAAATTCTTCTC-3'
Protein context (NP_733746.1, residues 409-429): PEKIELLAHK[Gly419Arg]LLNLTYYQQI